The following is an entry in ClinVar:

NM_001776.6(ENTPD1):c.144+1G>A

Genes: ENTPD1 (ectonucleoside triphosphate diphosphohydrolase 1; plus strand), ENTPD1-AS1 (ENTPD1 antisense RNA 1; minus strand). Cytogenetic location: 10q24.1.
Variant type: single nucleotide variant.
Coding change: c.144+1G>A on transcript NM_001776.6 (MANE Select); the canonical splice donor site of the intron after coding-DNA position 144, G replaced by A.
Molecular consequence: splice donor variant. On other transcripts: intron variant (2).
Genome position (GRCh38, 1-based): chr10:95,823,365, G>A. VCF-style: chr10-95823365-G-A. GRCh37 (hg19) VCF-style: chr10-97583122-G-A.
Other names: c.165+1G>A (NM_001098175.2); c.-181+12559G>A (NM_001312654.1); c.180+1G>A (NM_001164178.1, NM_001320916.1); c.-180-16326G>A (NM_001164181.1); c.144+1G>A (NM_001164179.2); c.-120+1G>A (NM_001164182.2); c.-2+1G>A (NM_001164183.2).
Identifiers: ClinVar variation 3776000 (VCV003776000.1).

ClinVar aggregate classification (germline): Likely pathogenic (1 of 4 stars; one submission).

Conditions:
Hereditary spastic paraplegia 64. Also called: ENTPD1-Related Neurodevelopmental Disorder; Spastic paraplegia 64, autosomal recessive. Identifiers: Orphanet 401810, MedGen C3810289, MONDO:0014303, OMIM 615683.

Submission:

3billion
Classification: Likely pathogenic for Hereditary spastic paraplegia 64. Last evaluated: 2023-11-29. Review status: criteria provided, single submitter. Criteria: ACMG Guidelines, 2015. Collection method: clinical testing. Allele origin: germline. Affected: yes.
Comment: The variant is not observed in the gnomAD v2.1.1 dataset. Predicted Consequence/Location: Canonical splice site: predicted to alter splicing and result in a loss or disruption of normal protein function. Multiple pathogenic loss-of-function variants are reported downstream of the variant. In silico tools predict the variant to alter splicing and produce an abnormal transcript [Splice AI: 0.98 (spliceogenicity >=0.2, non-spliceogenicity <0.1)]. Therefore, this variant is classified as Likely pathogenic according to the recommendation of ACMG/AMP guideline.